The following is an entry in ClinVar:

ClinVar aggregate classification (germline): Uncertain significance (1 of 4 stars; one submission).

Conditions:
Noonan syndrome 4 (NS4). Also called: SOS1-Related Noonan Syndrome; NOONAN SYNDROME WITH PIGMENTED VILLONODULAR SYNOVITIS. Identifiers: Orphanet 648, MedGen C1853120, MONDO:0012547, OMIM 610733.

Submission:

Clinical Genomics Laboratory, Washington University in St. Louis
Classification: Uncertain significance for Noonan syndrome 4. Last evaluated: 2026-03-18. Review status: criteria provided, single submitter. Criteria: ACMG Guidelines, 2015. Collection method: clinical testing. Allele origin: germline.
Comment: A SOS1 c.2167+1G>T variant was identified at a near heterozygous allelic fraction of 48.7%, a frequency which may be consistent with it being of germline origin. The SOS1 c.2167+1G>T variant, to our knowledge, has not been reported in the medical literature or the ClinVar database. This variant is absent from the general population (gnomAD v4.1.0), indicating it is not a common variant. Computational predictors indicate that this variant would alter splicing, evidence that correlates to an impact of this variant on SOS1 function. Due to limited information, and based on ACMG/AMP guidelines for variant interpretation (Richards S et al., PMID: 25741868) and ClinGen RASopathy Expert Panel Specifications, the clinical significance of this variant is uncertain at this time.

NM_005633.4(SOS1):c.2167+1G>T

Gene: SOS1 (SOS Ras/Rac guanine nucleotide exchange factor 1; minus strand). Cytogenetic location: 2p22.1.
Variant type: single nucleotide variant.
Coding change: c.2167+1G>T on transcript NM_005633.4 (MANE Select); the canonical splice donor site of the intron after coding-DNA position 2167, G replaced by T.
Molecular consequence: splice donor variant.
Genome position (GRCh38, 1-based): chr2:39,013,459, C>A on the plus strand (G>T on the coding strand, the complement: SOS1 is on the minus strand). VCF-style: chr2-39013459-C-A. GRCh37 (hg19) VCF-style: chr2-39240600-C-A.
Other names: c.2146+1G>T (NM_001382394.1); c.2167+1G>T (NM_001382395.1).
Identifiers: ClinVar variation 4974633 (VCV004974633.1).
Genomic context (GRCh38, chr2:39,013,459, plus strand): 5'-TAGTCACCGTGTTGGTACTTTTATTACATATAAAACTAGGCACCTAAAAAAAAAAACATA[C>A]CTCTTACTGTTCCAATAAATTCTTCCATTCGTTGCAAAAGATATGCATCTCTTTCAAAAT-3'